The following is an entry in ClinVar:

ClinVar aggregate classification (germline): Uncertain significance. Review status: criteria provided, multiple submitters, no conflicts (2 of 4 stars). 3 submissions from 3 submitters: Uncertain significance (3). Last evaluated 2025-08-14.

Conditions:
Pulmonary fibrosis and/or bone marrow failure, Telomere-related, 3. Also called: PULMONARY FIBROSIS AND/OR BONE MARROW FAILURE SYNDROME, TELOMERE-RELATED, 3. Identifiers: Orphanet 2032, MedGen C4225346, MONDO:0014613, OMIM 616373.
Dyskeratosis congenita, autosomal recessive 5 (DKCB5). Identifiers: MedGen C3554656, MONDO:0014076, OMIM 615190.
Inborn genetic diseases. Identifiers: MedGen C0950123, MeSH D030342.

gnomAD v4.1: 12 of 1,548,876 alleles (0.00077%); highest among the groups gnomAD compares: African/African-American, 0.014%; no homozygotes.

Submissions (3):

Labcorp Genetics (formerly Invitae), Labcorp
Classification: Uncertain significance for Dyskeratosis congenita, autosomal recessive 5; Pulmonary fibrosis and/or bone marrow failure, Telomere-related, 3. Last evaluated: 2025-08-14. Review status: criteria provided, single submitter. Criteria: Invitae Variant Classification Sherloc (09022015). Collection method: clinical testing. Allele origin: germline.
Comment: This sequence change replaces serine, which is neutral and polar, with phenylalanine, which is neutral and non-polar, at codon 1183 of the RTEL1 protein (p.Ser1183Phe). This variant is present in population databases (rs145401003, gnomAD 0.05%). This variant has not been reported in the literature in individuals affected with RTEL1-related conditions. ClinVar contains an entry for this variant (Variation ID: 3436032). An algorithm developed to predict the effect of missense changes on protein structure and function outputs the following: PolyPhen-2: "Possibly Damaging". The phenylalanine amino acid residue is found in multiple mammalian species, which suggests that this missense change does not adversely affect protein function. In summary, the available evidence is currently insufficient to determine the role of this variant in disease. Therefore, it has been classified as a Variant of Uncertain Significance.

Ambry Genetics
Classification: Uncertain significance for Inborn genetic diseases. Last evaluated: 2024-12-07. Review status: criteria provided, single submitter. Criteria: Ambry Variant Classification Scheme 2023. Collection method: clinical testing. Allele origin: germline.
Comment: The p.S1183F variant (also known as c.3548C>T), located in coding exon 33 of the RTEL1 gene, results from a C to T substitution at nucleotide position 3548. The serine at codon 1183 is replaced by phenylalanine, an amino acid with highly dissimilar properties. This amino acid position is conserved. In addition, this alteration is predicted to be tolerated by in silico analysis. Based on the available evidence, the clinical significance of this variant remains unclear.

Fulgent Genetics
Classification: Uncertain significance for Dyskeratosis congenita, autosomal recessive 5; Pulmonary fibrosis and/or bone marrow failure, Telomere-related, 3. Last evaluated: 2024-04-25. Review status: criteria provided, single submitter. Criteria: ACMG Guidelines, 2015. Collection method: clinical testing. Allele origin: germline.

NM_001283009.2(RTEL1):c.3548C>T (p.Ser1183Phe)

Genes: RTEL1 (regulator of telomere elongation helicase 1; plus strand), RTEL1-TNFRSF6B (RTEL1-TNFRSF6B readthrough (NMD candidate); plus strand). Cytogenetic location: 20q13.33.
Variant type: single nucleotide variant.
Coding change: c.3548C>T on transcript NM_001283009.2 (MANE Select); coding-DNA position 3548, C replaced by T.
Protein change: p.Ser1183Phe; replaces serine 1183 with phenylalanine.
Molecular consequence: missense variant. On other transcripts: non-coding transcript variant (1).
Genome position (GRCh38, 1-based): chr20:63,695,376, C>T. VCF-style: chr20-63695376-C-T. GRCh37 (hg19) VCF-style: chr20-62326729-C-T.
Other names: c.2879C>T, p.Ser960Phe (NM_001283010.1); c.3548C>T, p.Ser1183Phe (NM_016434.4); c.3620C>T, p.Ser1207Phe (NM_032957.5); short protein forms S1183F, S1207F, S960F.
Identifiers: ClinVar variation 3436032 (VCV003436032.3).